The following is an entry in ClinVar:

ClinVar aggregate classification (germline): Uncertain significance. Review status: criteria provided, multiple submitters, no conflicts (2 of 4 stars). 2 submissions from 2 submitters: Uncertain significance (2). Last evaluated 2023-12-18.

Conditions:
Dilated cardiomyopathy 1G (CMD1G). Identifiers: Orphanet 154, MedGen C1858763, MONDO:0011400, OMIM 604145.
Autosomal recessive limb-girdle muscular dystrophy type 2J (LGMDR10). Also called: MUSCULAR DYSTROPHY, LIMB-GIRDLE, AUTOSOMAL RECESSIVE 10; Limb-girdle muscular dystrophy, type 2J. Identifiers: Orphanet 140922, MedGen C1837342, MONDO:0012127, OMIM 608807.

Allele frequency attached by ClinVar (database versions not stated): gnomAD exomes below 0.00001.
gnomAD v4.1: 1 of 1,613,932 alleles (0.000062%); highest among the groups gnomAD compares: Non-Finnish European, 0.000085%; no homozygotes.

Submissions (2):

Labcorp Genetics (formerly Invitae), Labcorp
Classification: Uncertain significance for Dilated cardiomyopathy 1G; Autosomal recessive limb-girdle muscular dystrophy type 2J. Last evaluated: 2023-12-18. Review status: criteria provided, single submitter. Criteria: Invitae Variant Classification Sherloc (09022015). Collection method: clinical testing. Allele origin: germline.
Comment: This sequence change replaces valine, which is neutral and non-polar, with methionine, which is neutral and non-polar, at codon 35202 of the TTN protein (p.Val35202Met). This variant is not present in population databases (gnomAD no frequency). This variant has not been reported in the literature in individuals affected with TTN-related conditions. ClinVar contains an entry for this variant (Variation ID: 2438233). Experimental studies and prediction algorithms are not available or were not evaluated, and the functional significance of this variant is currently unknown. In summary, the available evidence is currently insufficient to determine the role of this variant in disease. Therefore, it has been classified as a Variant of Uncertain Significance.

Revvity Omics, Revvity
Classification: Uncertain significance. Last evaluated: 2019-07-03. Review status: criteria provided, single submitter. Criteria: ACMG Guidelines, 2015. Collection method: clinical testing. Allele origin: germline.

NM_001267550.2(TTN):c.105604G>A (p.Val35202Met)

Genes: TTN (titin; minus strand), TTN-AS1 (TTN antisense RNA 1; plus strand), LOC129935183 (ATAC-STARR-seq lymphoblastoid active region 16808; plus strand). Cytogenetic location: 2q31.2.
Variant type: single nucleotide variant.
Coding change: c.105604G>A on transcript NM_001267550.2 (MANE Select); coding-DNA position 105604, G replaced by A.
Protein change: p.Val35202Met; replaces valine 35202 with methionine.
Molecular consequence: missense variant.
Genome position (GRCh38, 1-based): chr2:178,531,011, C>T on the plus strand (G>A on the coding strand, the complement: TTN is on the minus strand). VCF-style: chr2-178531011-C-T. GRCh37 (hg19) VCF-style: chr2-179395738-C-T.
Other names: c.100681G>A, p.Val33561Met (NM_001256850.1); c.78409G>A, p.Val26137Met (NM_003319.4); c.97900G>A, p.Val32634Met (NM_133378.4); c.78784G>A, p.Val26262Met (NM_133432.3); c.78985G>A, p.Val26329Met (NM_133437.4); short protein forms V26137M, V26262M, V26329M, V32634M, V33561M, V35202M.
Identifiers: ClinVar variation 2438233 (VCV002438233.6), dbSNP rs2468392777, ClinGen allele CA349408391.